The following is an entry in ClinVar:

ClinVar aggregate classification (germline): Uncertain significance (1 of 4 stars; one submission).

Conditions:
Cardiovascular phenotype. Identifiers: MedGen CN230736.
Hereditary cancer-predisposing syndrome. Also called: Tumor predisposition; Hereditary neoplastic syndrome; Neoplastic Syndromes, Hereditary; Hereditary Cancer Syndrome. Identifiers: Orphanet 140162, MedGen C0027672, MeSH D009386, MONDO:0015356.

Submission:

Ambry Genetics
Classification: Uncertain significance for Cardiovascular phenotype; Hereditary cancer-predisposing syndrome. Last evaluated: 2025-04-11. Review status: criteria provided, single submitter. Criteria: Ambry Variant Classification Scheme 2023. Collection method: clinical testing. Allele origin: germline.
Comment: The p.S2522C variant (also known as c.7564A>T), located in coding exon 51 of the NF1 gene, results from an A to T substitution at nucleotide position 7564. The serine at codon 2522 is replaced by cysteine, an amino acid with dissimilar properties. This amino acid position is conserved. In addition, the in silico prediction for this alteration is inconclusive. Based on the available evidence, the clinical significance of this variant remains unclear.

NM_001042492.3(NF1):c.7627A>T (p.Ser2543Cys)

Gene: NF1 (neurofibromin 1; plus strand). Cytogenetic location: 17q11.2.
Variant type: single nucleotide variant.
Coding change: c.7627A>T on transcript NM_001042492.3 (MANE Select); coding-DNA position 7627, A replaced by T.
Protein change: p.Ser2543Cys; replaces serine 2543 with cysteine.
Molecular consequence: missense variant.
Genome position (GRCh38, 1-based): chr17:31,356,471, A>T. VCF-style: chr17-31356471-A-T. GRCh37 (hg19) VCF-style: chr17-29683489-A-T.
Other names: c.7564A>T, p.Ser2522Cys (NM_000267.4); short protein forms S2522C, S2543C.
Identifiers: ClinVar variation 4020851 (VCV004020851.1).